The following is an entry in ClinVar:

ClinVar aggregate classification (germline): Uncertain significance. Review status: criteria provided, multiple submitters, no conflicts (2 of 4 stars). 3 submissions from 3 submitters: Uncertain significance (3). Last evaluated 2025-10-06.

Conditions:
Hereditary cancer-predisposing syndrome. Also called: Hereditary Cancer Syndrome; Hereditary neoplastic syndrome; Neoplastic Syndromes, Hereditary; Tumor predisposition. Identifiers: Orphanet 140162, MedGen C0027672, MeSH D009386, MONDO:0015356.
Breast-ovarian cancer, familial, susceptibility to, 4. Identifiers: Orphanet 145, MedGen C3280345, MONDO:0013669, OMIM 614291.

Submissions (3):

Ambry Genetics
Classification: Uncertain significance for Hereditary cancer-predisposing syndrome. Last evaluated: 2025-10-06. Review status: criteria provided, single submitter. Criteria: Ambry Variant Classification Scheme 2023. Collection method: clinical testing. Allele origin: germline.
Comment: The p.A122E variant (also known as c.365C>A), located in coding exon 5 of the RAD51D gene, results from a C to A substitution at nucleotide position 365. The alanine at codon 122 is replaced by glutamic acid, an amino acid with dissimilar properties. This amino acid position is conserved. In addition, this alteration is predicted to be deleterious by in silico analysis. Based on the available evidence, the clinical significance of this variant remains unclear.

Labcorp Genetics (formerly Invitae), Labcorp
Classification: Uncertain significance for Breast-ovarian cancer, familial, susceptibility to, 4. Last evaluated: 2024-07-30. Review status: criteria provided, single submitter. Criteria: Invitae Variant Classification Sherloc (09022015). Collection method: clinical testing. Allele origin: germline.
Comment: This sequence change replaces alanine, which is neutral and non-polar, with glutamic acid, which is acidic and polar, at codon 122 of the RAD51D protein (p.Ala122Glu). This variant is not present in population databases (gnomAD no frequency). This variant has not been reported in the literature in individuals affected with RAD51D-related conditions. ClinVar contains an entry for this variant (Variation ID: 1063705). Advanced modeling of protein sequence and biophysical properties (such as structural, functional, and spatial information, amino acid conservation, physicochemical variation, residue mobility, and thermodynamic stability) performed at Invitae indicates that this missense variant is expected to disrupt RAD51D protein function with a positive predictive value of 80%. In summary, the available evidence is currently insufficient to determine the role of this variant in disease. Therefore, it has been classified as a Variant of Uncertain Significance.

Sema4
Classification: Uncertain significance for Hereditary cancer-predisposing syndrome. Last evaluated: 2021-09-16. Review status: criteria provided, single submitter. Criteria: Sema4 Curation Guidelines. Collection method: curation. Allele origin: germline.
Comment: The RAD51D c.365C>A (p.A122E) variant has not been reported in literature to our knowledge. This variant was not observed in the large and broad cohorts of the Genome Aggregation Database (PMID: 32461654). This variant has been reported in ClinVar (Variation ID 1063705). Functional studies have not been performed, and in silico predictions of the variant's effect on protein function are inconclusive. The overall evidence is insufficient to meet ACMG/AMP criteria for classifying it as benign or pathogenic. In summary, the clinical significance of this variant is currently uncertain.

NM_002878.4(RAD51D):c.365C>A (p.Ala122Glu)

Genes: RAD51D (RAD51 paralog D; minus strand), RAD51L3-RFFL (RAD51L3-RFFL readthrough; minus strand). Cytogenetic location: 17q12.
Variant type: single nucleotide variant.
Coding change: c.365C>A on transcript NM_002878.4 (MANE Select); coding-DNA position 365, C replaced by A.
Protein change: p.Ala122Glu; replaces alanine 122 with glutamic acid.
Molecular consequence: missense variant. On other transcripts: non-coding transcript variant (1), intron variant (1).
Genome position (GRCh38, 1-based): chr17:35,107,103, G>T on the plus strand (C>A on the coding strand, the complement: RAD51D is on the minus strand). VCF-style: chr17-35107103-G-T. GRCh37 (hg19) VCF-style: chr17-33434122-G-T.
Other names: c.425C>A, p.Ala142Glu (NM_001142571.2); c.145-622C>A (NM_133629.3); short protein forms A122E, A142E.
Identifiers: ClinVar variation 1063705 (VCV001063705.7), dbSNP rs1489866177, ClinGen allele CA399089370.
Genomic context (GRCh38, chr17:35,107,103, plus strand): 5'-GTCAGCCCTCCATTGGAATCTACATATAGGACGTTTTGCTGCAGGCCATGGGCCACATTT[G>T]CTGCCATACAGAGACATACCTGGGGGTGGGGGCATTGGATGAACTTGACACTTCAGAGAG-3'
Protein context (NP_002869.3, residues 112-132): GKTQVCLCMA[Ala122Glu]NVAHGLQQNV